The following continues an entry in ClinVar:

NM_000489.6(ATRX):c.736C>T (p.Arg246Cys)

Gene: ATRX. ClinVar aggregate classification (germline): Pathogenic/Likely pathogenic. Pathogenic (12); Likely pathogenic (1).

Submissions 12 to 18 of 18:

Ambry Genetics
Classification: Pathogenic for Inborn genetic diseases. Last evaluated: 2013-09-03. Review status: criteria provided, single submitter. Criteria: Ambry Autosomal Dominant and X-Linked criteria (10/2015). Collection method: clinical testing. Allele origin: germline. Observed: 1 variant allele.

Laboratoire de Génétique Moléculaire, CHU Bordeaux
Classification: Likely pathogenic. Review status: criteria provided, single submitter. Criteria: ACMG Guidelines, 2015. Collection method: clinical testing. Allele origin: germline. Affected: yes.

Natera, Inc.
Classification: Pathogenic for X-linked alpha-thalassemia-mental retardation syndrome. Last evaluated: 2020-09-16. Review status: no assertion criteria provided. Collection method: clinical testing. Allele origin: germline. Not counted in ClinVar's aggregate classification.

Centre de Biologie Pathologie Génétique, Centre Hospitalier Universitaire de Lille
Classification: Likely pathogenic for Mental retardation-hypotonic facies syndrome X-linked, 1. Last evaluated: 2019-01-01. Review status: no assertion criteria provided. Collection method: clinical testing. Allele origin: unknown. Affected: yes. Not counted in ClinVar's aggregate classification.

OMIM
Classification: Pathogenic for ALPHA-THALASSEMIA/IMPAIRED INTELLECTUAL DEVELOPMENT SYNDROME, X-LINKED. Last evaluated: 2006-10-15. Review status: no assertion criteria provided. Collection method: literature only. Allele origin: germline. Not counted in ClinVar's aggregate classification.

Clinical Genetics DNA and cytogenetics Diagnostics Lab, Erasmus MC, Erasmus Medical Center
Classification: Pathogenic. Review status: no assertion criteria provided. Collection method: clinical testing. Allele origin: germline. Affected: yes. Study: VKGL Data-share Consensus. Not counted in ClinVar's aggregate classification.

Joint Genome Diagnostic Labs from Nijmegen and Maastricht, Radboudumc and MUMC+
Classification: Pathogenic. Review status: no assertion criteria provided. Collection method: clinical testing. Allele origin: germline. Affected: yes. Study: VKGL Data-share Consensus. Not counted in ClinVar's aggregate classification.

Literature cited by the submitters: PubMed 9326931 (cited by 3 submitters); PubMed 16955409 (cited by 4 submitters); PubMed 20500465 (cited by 4 submitters); PubMed 24327140 (cited by Labcorp Genetics (formerly Invitae), Labcorp); PubMed 10995512 (cited by 3 submitters); PubMed 25590979 (cited by Illumina Laboratory Services, Illumina and Women's Health and Genetics/Laboratory Corporation of America, LabCorp); PubMed 31130284 (cited by 3 submitters); PubMed 10204841 (cited by Illumina Laboratory Services, Illumina); PubMed 21421568 (cited by Illumina Laboratory Services, Illumina); PubMed 10660327 (cited by 3billion).